The following is an entry in ClinVar:

ClinVar aggregate classification (germline): Benign (1 of 4 stars; one submission).

Allele frequency attached by ClinVar (database versions not stated): 1000 Genomes Project 30x 0.08463; 1000 Genomes Project 0.08566; gnomAD 0.14081 and 0.14356; TOPMed 0.14674; gnomAD exomes 0.15638.
gnomAD v4.1: 70,520 of 463,958 alleles (15%); highest among the groups gnomAD compares: Non-Finnish European, 20%; 7,003 homozygotes.

Submission:

GeneDx
Classification: Benign. Last evaluated: 2018-06-14. Review status: criteria provided, single submitter. Criteria: GeneDx Variant Classification (06012015). Collection method: clinical testing. Allele origin: germline. Affected: yes.
Comment: This variant is considered likely benign or benign based on one or more of the following criteria: it is a conservative change, it occurs at a poorly conserved position in the protein, it is predicted to be benign by multiple in silico algorithms, and/or has population frequency not consistent with disease.

NM_015443.4(KANSL1):c.1432-142C>T

Gene: KANSL1 (KAT8 regulatory NSL complex subunit 1). Cytogenetic location: 17q21.31.
Variant type: single nucleotide variant.
Coding change: c.1432-142C>T on transcript NM_015443.4 (MANE Select); 142 bases into the intron before coding-DNA position 1432, C replaced by T.
Molecular consequence: intron variant.
Genome position (GRCh38, 1-based): chr17:46,082,684, G>A on the plus strand (C>T on the coding strand, the complement: KANSL1 is on the minus strand). VCF-style: chr17-46082684-G-A. GRCh37 (hg19) VCF-style: chr17-44160050-G-A.
Other names: c.1432-142C>T (NM_001193465.2, NM_001379198.1, NM_001193466.2).
Identifiers: ClinVar variation 670406 (VCV000670406.1), dbSNP rs62060852, ClinGen allele CA15891652.